The following is an entry in ClinVar:

ClinVar aggregate classification (germline): Likely pathogenic (1 of 4 stars; one submission).

Conditions:
Alstrom syndrome (ALMS). Identifiers: Orphanet 64, MedGen C0268425, MONDO:0008763, OMIM 203800.

Submission:

Natera, Inc.
Classification: Likely pathogenic for Alstrom syndrome. Last evaluated: 2024-10-02. Review status: criteria provided, single submitter. Criteria: Natera Variant Classification Schema (03/2026). Collection method: clinical testing. Allele origin: germline.
Comment: The c.23G>A variant in ALMS1 is a nonsense variant predicted to introduce a stop codon at amino acid 8. This variant is expected to result in nonsense mediated decay, truncation, or a dysfunctional protein product. This variant is rare in the general population with a frequency below the threshold expected for the associated phenotype(s). Given the available evidence, this variant is classified as Likely Pathogenic.

NM_001378454.1(ALMS1):c.23G>A (p.Trp8Ter)

Gene: ALMS1 (ALMS1 centrosome and basal body associated protein; plus strand). Cytogenetic location: 2p13.1.
Variant type: single nucleotide variant.
Coding change: c.23G>A on transcript NM_001378454.1 (MANE Select); coding-DNA position 23, G replaced by A.
Protein change: p.Trp8Ter; replaces tryptophan 8 with a stop codon.
Molecular consequence: nonsense.
Genome position (GRCh38, 1-based): chr2:73,385,891, G>A. VCF-style: chr2-73385891-G-A. GRCh37 (hg19) VCF-style: chr2-73613019-G-A.
Other names: c.23G>A, p.Trp8Ter (NM_015120.4); short protein forms W8*.
Identifiers: ClinVar variation 4815776 (VCV004815776.1).